The following is an entry in ClinVar:

NM_004287.5(GOSR2):c.154G>A (p.Glu52Lys)

Genes: GOSR2 (golgi SNAP receptor complex member 2; plus strand), LRRC37A2 (leucine rich repeat containing 37 member A2), LOC126862578 (BRD4-independent group 4 enhancer GRCh37_chr17:45008344-45009543; plus strand). Cytogenetic location: 17q21.32.
Variant type: single nucleotide variant.
Coding change: c.154G>A on transcript NM_004287.5 (MANE Select); coding-DNA position 154, G replaced by A.
Protein change: p.Glu52Lys; replaces glutamic acid 52 with lysine.
Molecular consequence: missense variant. On other transcripts: non-coding transcript variant (3).
Genome position (GRCh38, 1-based): chr17:46,931,158, G>A. VCF-style: chr17-46931158-G-A. GRCh37 (hg19) VCF-style: chr17-45008524-G-A.
Other names: c.154G>A, p.Glu52Lys (NM_001012511.3, NM_001321133.2, NM_001330252.2 and 1 more transcripts); c.100G>A, p.Glu34Lys (NM_001321134.2, NM_001363851.2); c.151G>A, p.Glu51Lys (NM_001353114.2, NM_001353115.2, NM_001353116.2); short protein forms E51K, E52K, E34K.
Identifiers: ClinVar variation 664336 (VCV000664336.10), dbSNP rs1286041018, ClinGen allele CA400016719.
Genomic context (GRCh38, chr17:46,931,158, plus strand): 5'-GTAGTAGAAAACGAAATCCAAGCAAGCATAGACCAGATATTCAGCCGTCTAGAACGTCTG[G>A]AGATTTTGTCCAGCAAGGAGCCCCCTAACAAAAGGCAAAATGCCAGACTGTAAGTGCTGA-3'
Protein context (NP_004278.2, residues 42-62): DQIFSRLERL[Glu52Lys]ILSSKEPPNK

ClinVar aggregate classification (germline): Uncertain significance. Review status: criteria provided, multiple submitters, no conflicts (2 of 4 stars). 2 submissions from 2 submitters: Uncertain significance (2). Last evaluated 2022-12-01.

Conditions:
Progressive myoclonic epilepsy. Also called: Familial progressive myoclonic epilepsy; Myoclonic Epilepsies, Progressive; Myoclonus epilepsy; Progressive myoclonus epilepsy. Identifiers: Orphanet 308, Orphanet 98261, MedGen C0751778, MONDO:0020074.
Inborn genetic diseases. Identifiers: MedGen C0950123, MeSH D030342.

Allele frequency attached by ClinVar (database versions not stated): gnomAD 0.00001; gnomAD exomes 0.00001.
gnomAD v4.1: 6 of 1,611,740 alleles (0.00037%); highest among the groups gnomAD compares: Middle Eastern, 0.033%; 1 homozygote.

Submissions (2):

Ambry Genetics
Classification: Uncertain significance for Inborn genetic diseases. Last evaluated: 2022-12-01. Review status: criteria provided, single submitter. Criteria: Ambry Variant Classification Scheme 2023. Collection method: clinical testing. Allele origin: germline.

Labcorp Genetics (formerly Invitae), Labcorp
Classification: Uncertain significance for Progressive myoclonic epilepsy. Last evaluated: 2022-04-06. Review status: criteria provided, single submitter. Criteria: Invitae Variant Classification Sherloc (09022015). Collection method: clinical testing. Allele origin: germline.
Comment: ClinVar contains an entry for this variant (Variation ID: 664336). Algorithms developed to predict the effect of missense changes on protein structure and function are either unavailable or do not agree on the potential impact of this missense change (SIFT: "Deleterious"; PolyPhen-2: "Benign"; Align-GVGD: "Class C15"). In summary, the available evidence is currently insufficient to determine the role of this variant in disease. Therefore, it has been classified as a Variant of Uncertain Significance. This variant has not been reported in the literature in individuals affected with GOSR2-related conditions. This sequence change replaces glutamic acid, which is acidic and polar, with lysine, which is basic and polar, at codon 52 of the GOSR2 protein (p.Glu52Lys). This variant is present in population databases (no rsID available, gnomAD 0.003%).